The following is an entry in ClinVar:

ClinVar aggregate classification (germline): Uncertain significance (1 of 4 stars; one submission).

Conditions:
Hereditary breast ovarian cancer syndrome. Also called: BRCA1- and BRCA2-Associated Hereditary Breast and Ovarian Cancer; Hereditary breast and ovarian cancer syndrome; Hereditary breast and/or ovarian cancer syndrome; Hereditary breast and ovarian cancer; Hereditary breast and ovarian cancer syndrome (HBOC); Breast and ovarian cancer. Identifiers: Orphanet 145, MedGen C0677776, MeSH D061325, MONDO:0003582. Disease mechanism: loss of function.

Submission:

Labcorp Genetics (formerly Invitae), Labcorp
Classification: Uncertain significance for Hereditary breast ovarian cancer syndrome. Last evaluated: 2023-11-03. Review status: criteria provided, single submitter. Criteria: Invitae Variant Classification Sherloc (09022015). Collection method: clinical testing. Allele origin: germline.
Comment: This sequence change replaces asparagine, which is neutral and polar, with isoleucine, which is neutral and non-polar, at codon 1102 of the BRCA1 protein (p.Asn1102Ile). This variant is not present in population databases (gnomAD no frequency). This variant has not been reported in the literature in individuals affected with BRCA1-related conditions. Advanced modeling of protein sequence and biophysical properties (such as structural, functional, and spatial information, amino acid conservation, physicochemical variation, residue mobility, and thermodynamic stability) performed at Invitae indicates that this missense variant is not expected to disrupt BRCA1 protein function with a negative predictive value of 95%. In summary, the available evidence is currently insufficient to determine the role of this variant in disease. Therefore, it has been classified as a Variant of Uncertain Significance.

NM_007294.4(BRCA1):c.3305A>T (p.Asn1102Ile)

Genes: BRCA1 (BRCA1 DNA repair associated; minus strand), LOC126862571 (BRD4-independent group 4 enhancer GRCh37_chr17:41243136-41244335; plus strand). Cytogenetic location: 17q21.31.
Variant type: single nucleotide variant.
Coding change: c.3305A>T on transcript NM_007294.4 (MANE Select); coding-DNA position 3305, A replaced by T.
Protein change: p.Asn1102Ile; replaces asparagine 1102 with isoleucine.
Molecular consequence: missense variant. On other transcripts: intron variant (137).
Genome position (GRCh38, 1-based): chr17:43,092,226, T>A on the plus strand (A>T on the coding strand, the complement: BRCA1 is on the minus strand). VCF-style: chr17-43092226-T-A. GRCh37 (hg19) VCF-style: chr17-41244243-T-A.
Other names: c.779-1194A>T (NM_001408408.1); c.662-1194A>T (NM_001408446.1, NM_001408435.1, NM_001408448.1 and 6 more transcripts); c.785-1194A>T (NM_001408401.1, NM_001408396.1, NM_001407985.1 and 13 more transcripts); c.548-1194A>T (NM_001408494.1); c.665-1194A>T (NM_001408444.1, NM_001408438.1, NM_001408430.1 and 12 more transcripts); c.671-1194A>T (NM_001408423.1, NM_001408420.1, NM_001408419.1 and 2 more transcripts); c.788-1194A>T (NM_001408404.1, NM_001408472.1, NM_001407990.1 and 17 more transcripts); c.788-87A>T (NM_001407969.1, NM_001407968.1); and 41 more; short protein forms N1013I, N1031I, N1075I, N1101I, N975I, N1055I, N1076I, N1102I.
Identifiers: ClinVar variation 2996243 (VCV002996243.3), dbSNP rs80356900, ClinGen allele CA10595377.
Genomic context (GRCh38, chr17:43,092,226, plus strand): 5'-GTATTAACAGTCTGAACTACTTCTTCATATTCTTGCTTTTTTATTTCAGGATGCTTACAA[T>A]TACTTCCAGGAAGACTTTGTTTATAGACCTCAGGTTGCAAAACCCCTAATCTAAGCATAG-3'
Protein context (NP_009225.1, residues 1092-1112): EVYKQSLPGS[Asn1102Ile]CKHPEIKKQE